The following is an entry in ClinVar:

NM_005619.5(RTN2):c.337C>A (p.Pro113Thr)

Genes: OPA3-RTN2 (OPA3-RTN2 readthrough; minus strand), RTN2 (reticulon 2; minus strand). Cytogenetic location: 19q13.32.
Variant type: single nucleotide variant.
Coding change: c.337C>A on transcript NM_005619.5 (MANE Select); coding-DNA position 337, C replaced by A.
Protein change: p.Pro113Thr; replaces proline 113 with threonine.
Molecular consequence: missense variant.
Genome position (GRCh38, 1-based): chr19:45,494,748, G>T on the plus strand (C>A on the coding strand, the complement: RTN2 is on the minus strand). VCF-style: chr19-45494748-G-T. GRCh37 (hg19) VCF-style: chr19-45998006-G-T.
Other names: c.337C>A, p.Pro113Thr (NM_206900.3); short protein forms P113T.
Identifiers: ClinVar variation 3604791 (VCV003604791.2).
Genomic context (GRCh38, chr19:45,494,748, plus strand): 5'-ATGGAGGCGCGGTGTCAGGATCACCCCGTCGTCCAGGCTCCGGGGATTGGCTCAGGCTGG[G>T]GATGCTCTCCAAGCTGTCGCCCAGGCTGGGCTGAGGGTGCTGGTCTCGTGGTTCCGAGAC-3'
Protein context (NP_005610.1, residues 103-123): PSLGDSLESI[Pro113Thr]SLSQSPEPGR

ClinVar aggregate classification (germline): Uncertain significance (1 of 4 stars; one submission).

Conditions:
Spastic paraplegia. Identifiers: MedGen C0037772, HP:0001258.

gnomAD v4.1: 1 of 1,610,550 alleles (0.000062%); highest among the groups gnomAD compares: East Asian, 0.0022%; no homozygotes.

Submission:

Labcorp Genetics (formerly Invitae), Labcorp
Classification: Uncertain significance for Spastic paraplegia. Last evaluated: 2024-11-11. Review status: criteria provided, single submitter. Criteria: Invitae Variant Classification Sherloc (09022015). Collection method: clinical testing. Allele origin: germline.
Comment: This sequence change replaces proline, which is neutral and non-polar, with threonine, which is neutral and polar, at codon 113 of the RTN2 protein (p.Pro113Thr). This variant is present in population databases (rs757996406, gnomAD 0.02%). This missense change has been observed in individual(s) with hereditary spastic paraplegia (PMID: 35684947). An algorithm developed to predict the effect of missense changes on protein structure and function (PolyPhen-2) suggests that this variant is likely to be disruptive. Experimental studies have shown that this missense change affects RTN2 function (PMID: 35684947). In summary, the available evidence is currently insufficient to determine the role of this variant in disease. Therefore, it has been classified as a Variant of Uncertain Significance.

Literature cited by the submitters: PubMed 35684947.